The following is an entry in ClinVar:

NM_004168.4(SDHA):c.595T>A (p.Ser199Thr)

Gene: SDHA (succinate dehydrogenase complex flavoprotein subunit A; plus strand). Cytogenetic location: 5p15.33.
Variant type: single nucleotide variant.
Coding change: c.595T>A on transcript NM_004168.4 (MANE Select); coding-DNA position 595, T replaced by A.
Protein change: p.Ser199Thr; replaces serine 199 with threonine.
Molecular consequence: missense variant.
Genome position (GRCh38, 1-based): chr5:226,021, T>A. VCF-style: chr5-226021-T-A. GRCh37 (hg19) VCF-style: chr5-226136-T-A.
Other names: c.451T>A, p.Ser151Thr (NM_001294332.2); c.595T>A, p.Ser199Thr (NM_001330758.2); short protein forms S151T, S199T.
Identifiers: ClinVar variation 646346 (VCV000646346.14), dbSNP rs770407681, ClinGen allele CA3172885.

ClinVar aggregate classification (germline): Uncertain significance. Review status: criteria provided, multiple submitters, no conflicts (2 of 4 stars). 3 submissions from 3 submitters: Uncertain significance (3). Last evaluated 2025-12-13.

Conditions:
Pheochromocytoma/paraganglioma syndrome 5. Also called: Paragangliomas 5; SDHA-Related Hereditary Paraganglioma-Pheochromocytoma Syndrome. Identifiers: Orphanet 29072, MedGen C3279992, MONDO:0013602, OMIM 614165.
Mitochondrial complex II deficiency, nuclear type 1. Also called: SUCCINATE CoQ REDUCTASE DEFICIENCY. Identifiers: Orphanet 3208, MedGen C5700310, MONDO:0100294, OMIM 252011.
Dilated cardiomyopathy 1GG (CMD1GG). Identifiers: Orphanet 154, MedGen C3150898, MONDO:0013339, OMIM 613642.
Hereditary cancer-predisposing syndrome. Also called: Tumor predisposition; Neoplastic Syndromes, Hereditary; Hereditary Cancer Syndrome; Hereditary neoplastic syndrome. Identifiers: Orphanet 140162, MedGen C0027672, MeSH D009386, MONDO:0015356.

Allele frequency attached by ClinVar (database versions not stated): ExAC 0.00001; gnomAD 0.00001; TOPMed 0.00001; gnomAD exomes 0.00002 and below 0.00001.
gnomAD v4.1: 29 of 1,614,054 alleles (0.0018%); highest among the groups gnomAD compares: Non-Finnish European, 0.0024%; no homozygotes.

Submissions (3):

Labcorp Genetics (formerly Invitae), Labcorp
Classification: Uncertain significance for Pheochromocytoma/paraganglioma syndrome 5; Mitochondrial complex II deficiency, nuclear type 1. Last evaluated: 2025-12-13. Review status: criteria provided, single submitter. Criteria: Invitae Variant Classification Sherloc (09022015). Collection method: clinical testing. Allele origin: germline.
Comment: This sequence change replaces serine, which is neutral and polar, with threonine, which is neutral and polar, at codon 199 of the SDHA protein (p.Ser199Thr). This variant is present in population databases (rs770407681, gnomAD 0.0009%). This variant has not been reported in the literature in individuals affected with SDHA-related conditions. ClinVar contains an entry for this variant (Variation ID: 646346). Invitae Evidence Modeling of protein sequence and biophysical properties (such as structural, functional, and spatial information, amino acid conservation, physicochemical variation, residue mobility, and thermodynamic stability) indicates that this missense variant is not expected to disrupt SDHA protein function with a negative predictive value of 95%. In summary, the available evidence is currently insufficient to determine the role of this variant in disease. Therefore, it has been classified as a Variant of Uncertain Significance.

Ambry Genetics
Classification: Uncertain significance for Hereditary cancer-predisposing syndrome. Last evaluated: 2024-05-25. Review status: criteria provided, single submitter. Criteria: Ambry Variant Classification Scheme 2023. Collection method: clinical testing. Allele origin: germline.
Comment: The p.S199T variant (also known as c.595T>A), located in coding exon 5 of the SDHA gene, results from a T to A substitution at nucleotide position 595. The serine at codon 199 is replaced by threonine, an amino acid with similar properties. This amino acid position is highly conserved in available vertebrate species. In addition, the in silico prediction for this alteration is inconclusive. Since supporting evidence is limited at this time, the clinical significance of this alteration remains unclear.

Baylor Genetics
Classification: Uncertain significance for Dilated cardiomyopathy 1GG. Last evaluated: 2023-09-13. Review status: criteria provided, single submitter. Criteria: ACMG Guidelines, 2015. Collection method: clinical testing. Allele origin: unknown.